The following is an entry in ClinVar:

ClinVar aggregate classification (germline): Pathogenic (1 of 4 stars; one submission).

Conditions:
CEP290-related ciliopathy. Also called: CEP290 ciliopathy. Identifiers: MedGen CN305601, MONDO:0100451.

Submission:

Myriad Genetics, Inc.
Classification: Pathogenic for CEP290-related ciliopathy. Last evaluated: 2025-10-04. Review status: criteria provided, single submitter. Criteria: Myriad Autosomal Dominant, Autosomal Recessive and X-Linked Classification Criteria (2023). Collection method: clinical testing. Allele origin: unknown.
Comment: NM_025114.3(CEP290):c.4313delC(A1438Vfs*20) is expected to be pathogenic in the context of CEP290-related disorders. This variant is predicted to lead to an abnormal or absent protein product due to the creation of a premature termination codon in CEP290, a gene where loss-of-function variants are known to be pathogenic. Please note: this variant was assessed in the context of healthy population screening.

NM_025114.4(CEP290):c.4313del (p.Ala1438fs)

Gene: CEP290 (centrosomal protein 290; minus strand). Cytogenetic location: 12q21.32.
Variant type: Deletion.
Coding change: c.4313del on transcript NM_025114.4 (MANE Select); coding-DNA position 4313, one base deleted (C; older notation c.4313delC).
Protein change: p.Ala1438fs; shifts the reading frame from alanine 1438.
Molecular consequence: frameshift variant.
Genome position (GRCh38, 1-based): chr12:88,086,163, G deleted on the plus strand (C on the coding strand, the reverse complement: CEP290 is on the minus strand). VCF-style (leftmost placement, unchanged base first): chr12-88086162-AG-A. GRCh37 (hg19) VCF-style: chr12-88479939-AG-A.
Other names: short protein forms A1438fs.
Identifiers: ClinVar variation 5015050 (VCV005015050.1).
Genomic context (GRCh38, chr12:88,086,162, plus strand): 5'-CCTTAGAGCGATCTCAAGTTGATTTGGAAGGGGCAAACTAGGGTCAGGGATTGATCCTGT[AG>A]CTTCTTCAAACTATTAAGAAATAGTATGTTTTTTAAAAAAGCAGTTGCAGCATTGAGAGT-3'